The following is an entry in ClinVar:

NM_022124.6(CDH23):c.2340C>T (p.Asp780=)

Gene: CDH23 (cadherin related 23; plus strand). Cytogenetic location: 10q22.1.
Variant type: single nucleotide variant.
Coding change: c.2340C>T on transcript NM_022124.6 (MANE Select); coding-DNA position 2340, C replaced by T.
Protein change: p.Asp780=; no amino-acid change (aspartic acid 780 retained).
Molecular consequence: synonymous variant.
Genome position (GRCh38, 1-based): chr10:71,695,468, C>T. VCF-style: chr10-71695468-C-T. GRCh37 (hg19) VCF-style: chr10-73455225-C-T.
Other names: c.2340C>T, p.Asp780= (NM_001171930.2, NM_001171931.2); c.2340C>T (NM_022124.5).
Identifiers: ClinVar variation 1639474 (VCV001639474.10), dbSNP rs757380602, ClinGen allele CA5544185.

ClinVar aggregate classification (germline): Likely benign. Review status: criteria provided, multiple submitters, no conflicts (2 of 4 stars). 3 submissions from 3 submitters: Likely benign (3). Last evaluated 2026-01-28.

Conditions:
CDH23-related disorder. Also called: CDH23-related disorders; CDH23-related condition.

Allele frequency attached by ClinVar (database versions not stated): gnomAD 0.00001; ExAC 0.00002; gnomAD exomes 0.00002.
gnomAD v4.1: 35 of 1,613,506 alleles (0.0022%); highest among the groups gnomAD compares: South Asian, 0.013%; no homozygotes.

Submissions (3):

Labcorp Genetics (formerly Invitae), Labcorp
Classification: Likely benign. Last evaluated: 2026-01-28. Review status: criteria provided, single submitter. Criteria: Invitae Variant Classification Sherloc (09022015). Collection method: clinical testing. Allele origin: germline.

PreventionGenetics, part of Exact Sciences
Classification: Likely benign for CDH23-related condition. Last evaluated: 2025-02-11. Review status: criteria provided, single submitter. Criteria: ACMG Guidelines, 2015. Collection method: clinical testing. Allele origin: germline.
Comment: This variant is classified as likely benign based on ACMG/AMP sequence variant interpretation guidelines (Richards et al. 2015 PMID: 25741868, with internal and published modifications).

Blueprint Genetics
Classification: Likely benign. Last evaluated: 2022-10-14. Review status: criteria provided, single submitter. Criteria: ACMG Guidelines, 2015. Collection method: clinical testing. Allele origin: germline.